The following is an entry in ClinVar:

ClinVar aggregate classification (germline): Likely benign (0 of 4 stars; one submission).

Conditions:
P2RX1-related disorder. Also called: P2RX1-related condition.

Allele frequency attached by ClinVar (database versions not stated): gnomAD exomes 0.00002; TOPMed 0.00002; ExAC 0.00008.
gnomAD v4.1: 31 of 1,613,292 alleles (0.0019%); highest among the groups gnomAD compares: Admixed American, 0.005%; no homozygotes.

Submission:

PreventionGenetics, part of Exact Sciences
Classification: Likely benign for P2RX1-related condition. Last evaluated: 2022-12-01. Review status: no assertion criteria provided. Collection method: clinical testing. Allele origin: germline.
Comment: This variant is classified as likely benign based on ACMG/AMP sequence variant interpretation guidelines (Richards et al. 2015 PMID: 25741868, with internal and published modifications).

NM_002558.4(P2RX1):c.138-7C>T

Gene: P2RX1 (purinergic receptor P2X 1; minus strand). Cytogenetic location: 17p13.2.
Variant type: single nucleotide variant.
Coding change: c.138-7C>T on transcript NM_002558.4 (MANE Select); 7 bases into the intron before coding-DNA position 138, C replaced by T.
Molecular consequence: intron variant.
Genome position (GRCh38, 1-based): chr17:3,905,374, G>A on the plus strand (C>T on the coding strand, the complement: P2RX1 is on the minus strand). VCF-style: chr17-3905374-G-A. GRCh37 (hg19) VCF-style: chr17-3808668-G-A.
Identifiers: ClinVar variation 3054273 (VCV003054273.2), dbSNP rs767744388, ClinGen allele CA8296408.
Genomic context (GRCh38, chr17:3,905,374, plus strand): 5'-CTGCTGATGAGGCCGCTCGAGGTCTGGTAGCCCTTCTCATAGAGAAACACCCACCTGTGC[G>A]GGTGGGGACAGAGGGGGAGTTGTGGTTGTGGCACCAGCTGGACCTGTCACACGCTTTCCC-3'